The following is an entry in ClinVar:

ClinVar aggregate classification (germline): Uncertain significance (1 of 4 stars; one submission).

Conditions:
Combined oxidative phosphorylation defect type 27. Also called: Combined oxidative phosphorylation deficiency 27. Identifiers: Orphanet 477774, MedGen C5567608, MONDO:0014728, OMIM 616672.

Submission:

Labcorp Genetics (formerly Invitae), Labcorp
Classification: Uncertain significance for Combined oxidative phosphorylation defect type 27. Last evaluated: 2018-12-24. Review status: criteria provided, single submitter. Criteria: Invitae Variant Classification Sherloc (09022015). Collection method: clinical testing. Allele origin: germline.
Comment: This variant is not present in population databases (ExAC no frequency). This variant has not been reported in the literature in individuals with CARS2-related conditions. Algorithms developed to predict the effect of missense changes on protein structure and function (SIFT, PolyPhen-2, Align-GVGD) all suggest that this variant is likely to be tolerated, but these predictions have not been confirmed by published functional studies and their clinical significance is uncertain. In summary, the available evidence is currently insufficient to determine the role of this variant in disease. Therefore, it has been classified as a Variant of Uncertain Significance. This sequence change replaces isoleucine with valine at codon 328 of the CARS2 protein (p.Ile328Val). The isoleucine residue is highly conserved and there is a small physicochemical difference between isoleucine and valine.

NM_024537.4(CARS2):c.982A>G (p.Ile328Val)

Gene: CARS2 (cysteinyl-tRNA synthetase 2, mitochondrial; minus strand). Cytogenetic location: 13q34.
Variant type: single nucleotide variant.
Coding change: c.982A>G on transcript NM_024537.4 (MANE Select); coding-DNA position 982, A replaced by G.
Protein change: p.Ile328Val; replaces isoleucine 328 with valine.
Molecular consequence: missense variant. On other transcripts: 3 prime UTR variant (1), non-coding transcript variant (2).
Genome position (GRCh38, 1-based): chr13:110,663,456, T>C on the plus strand (A>G on the coding strand, the complement: CARS2 is on the minus strand). VCF-style: chr13-110663456-T-C. GRCh37 (hg19) VCF-style: chr13-111315803-T-C.
Other names: c.196A>G, p.Ile66Val (NM_001352252.2); c.*454A>G (NM_001352253.3); short protein forms I66V, I328V.
Identifiers: ClinVar variation 657749 (VCV000657749.8), dbSNP rs1448672862, ClinGen allele CA388748022.